The following is an entry in ClinVar:

NM_001385012.1(NBEA):c.7963G>T (p.Gly2655Cys)

Gene: NBEA (neurobeachin; plus strand). Cytogenetic location: 13q13.3.
Variant type: single nucleotide variant.
Coding change: c.7963G>T on transcript NM_001385012.1 (MANE Select); coding-DNA position 7963, G replaced by T.
Protein change: p.Gly2655Cys; replaces glycine 2655 with cysteine.
Molecular consequence: missense variant.
Genome position (GRCh38, 1-based): chr13:35,649,847, G>T. VCF-style: chr13-35649847-G-T. GRCh37 (hg19) VCF-style: chr13-36223984-G-T.
Other names: c.1279G>T, p.Gly427Cys (NM_001204197.3); c.7954G>T, p.Gly2652Cys (NM_001379245.1); c.7900G>T, p.Gly2634Cys (NM_015678.5); short protein forms G2634C, G2652C, G2655C, G427C.
Identifiers: ClinVar variation 3777604 (VCV003777604.1).

ClinVar aggregate classification (germline): Uncertain significance (1 of 4 stars; one submission).

Submission:

GeneDx
Classification: Uncertain significance. Last evaluated: 2024-10-10. Review status: criteria provided, single submitter. Criteria: GeneDx Variant Classification Process June 2021. Collection method: clinical testing. Allele origin: germline. Affected: yes.
Comment: Not observed at significant frequency in large population cohorts (gnomAD); In silico analysis supports that this missense variant has a deleterious effect on protein structure/function; In silico analysis also supports a deleterious effect on splicing; Has not been previously published as pathogenic or benign to our knowledge